The following is an entry in ClinVar:

ClinVar aggregate classification (germline): Pathogenic. Review status: reviewed by expert panel (3 of 4 stars). 3 submissions from 3 submitters: Pathogenic (1). 2 of the submissions do not count toward it. Last evaluated 2021-12-02.

Conditions:
Glycogen storage disease, type II (IOPD). Also called: CARDIOMEGALIA GLYCOGENICA DIFFUSA; GLYCOGENOSIS, GENERALIZED, CARDIAC FORM; GSD II; POMPE DISEASE, INFANTILE-ONSET; GLYCOGEN STORAGE DISEASE II, INFANTILE-ONSET; ACID ALPHA-GLUCOSIDASE DEFICIENCY, INFANTILE-ONSET. Identifiers: Orphanet 365, MedGen C0017921, MONDO:0009290, OMIM 232300.

Submissions (3):

ClinGen Lysosomal Storage Disorder Variant Curation Expert Panel
Classification: Pathogenic for Glycogen storage disease, type II. Last evaluated: 2021-12-02. Review status: reviewed by expert panel. Criteria: clingen_lsd_acmg_specifications_v2-1. Collection method: curation. Allele origin: germline. Inheritance: Autosomal recessive inheritance.
Comment: The NM_000152.5:c.444C>G (p.Tyr148Ter) variant in GAA is a nonsense variant predicted to cause a premature stop codon in biologically-relevant-exon 2/20, leading to nonsense mediated decay in a gene in which loss-of-function is an established disease mechanism (PVS1). One patient, with late onset Pompe disease, has been reported who responded to enzyme replacement therapy and had muscle histology consistent with Pompe disease (PMID 25093132)(PP4). This patient is compound heterozygous, phase unknown, for the variant and c.2238G>C (p.Trp746Cys). The allelic data for this patient will be used in the assessment of p.Trp746Cys and is not included here to avoid circular logic. The c.444C>G (p.Tyr148Ter) variant is absent in gnomAD v2.1.1 (PM2_Supporting). There is no ClinVar entry for this variant. In summary, this variant meets the criteria to be classified as pathogenic for Pompe disease. ACMG/AMP criteria met, as specified by the ClinGen LSD VCEP (Specification Version 2.0): PVS1, PP4, PM2_Supporting (Approved by the ClinGen LSD VCEP - Oct. 19th, 2021)

Genomenon, Inc
Classification: Pathogenic for Glycogen storage disease, type II. Last evaluated: 2026-07-01. Review status: criteria provided, single submitter. Criteria: Genomenon Sequence Variant Interpretation Standards - Updated. Collection method: curation. Allele origin: germline. Affected: yes. Not counted in ClinVar's aggregate classification.
Comment: GAA p.Tyr148Ter (c.444C>G) is a nonsense variant that introduces a premature stop codon at amino acid position 148 and is predicted to result in a truncated or absent protein product. This variant has been observed in at least one proband with a GAA-related disorder (PMID:25093132). It is absent or not present at a significant frequency in gnomAD. In conclusion, we classify GAA p.Tyr148Ter (c.444C>G) as a pathogenic variant.

Labcorp Genetics (formerly Invitae), Labcorp
Classification: Pathogenic for Glycogen storage disease, type II. Last evaluated: 2022-04-15. Review status: criteria provided, single submitter. Criteria: Invitae Variant Classification Sherloc (09022015). Collection method: clinical testing. Allele origin: germline. Not counted in ClinVar's aggregate classification.
Comment: Algorithms developed to predict the effect of sequence changes on RNA splicing suggest that this variant may create or strengthen a splice site. For these reasons, this variant has been classified as Pathogenic. ClinVar contains an entry for this variant (Variation ID: 1327503). This premature translational stop signal has been observed in individual(s) with Pompe disease (PMID: 25093132). This variant is not present in population databases (gnomAD no frequency). This sequence change creates a premature translational stop signal (p.Tyr148*) in the GAA gene. It is expected to result in an absent or disrupted protein product. Loss-of-function variants in GAA are known to be pathogenic (PMID: 18425781, 22252923).

Literature cited by the submitters: PubMed 25093132 (cited by Genomenon, Inc and Labcorp Genetics (formerly Invitae), Labcorp); PubMed 18425781 (cited by Labcorp Genetics (formerly Invitae), Labcorp); PubMed 22252923 (cited by Labcorp Genetics (formerly Invitae), Labcorp).

NM_000152.5(GAA):c.444C>G (p.Tyr148Ter)

Gene: GAA (alpha glucosidase; plus strand). Cytogenetic location: 17q25.3.
Variant type: single nucleotide variant.
Coding change: c.444C>G on transcript NM_000152.5 (MANE Select); coding-DNA position 444, C replaced by G.
Protein change: p.Tyr148Ter; replaces tyrosine 148 with a stop codon.
Molecular consequence: nonsense.
Genome position (GRCh38, 1-based): chr17:80,105,030, C>G. VCF-style: chr17-80105030-C-G. GRCh37 (hg19) VCF-style: chr17-78078829-C-G.
Other names: NM_001079804.3:c.444C>G; c.444C>G, p.Tyr148Ter (NM_001079803.3, NM_001079804.3); short protein forms Y148*.
Identifiers: ClinVar variation 1327503 (VCV001327503.9), dbSNP rs886043112, ClinGen allele CA401361416.